The following is an entry in ClinVar:

ClinVar aggregate classification (germline): Likely benign. Review status: criteria provided, multiple submitters, no conflicts (2 of 4 stars). 4 submissions from 4 submitters: Likely benign (3). 1 of the submissions does not count toward it. Last evaluated 2025-05-23.

Conditions:
MAN1B1-related disorder. Also called: MAN1B1-related condition; MAN1B1-related disorders.
Inborn genetic diseases. Identifiers: MedGen C0950123, MeSH D030342.
Rafiq syndrome (RAFQS). Identifiers: Orphanet 88616, MedGen C3280127, MONDO:0013624, OMIM 614202.

Allele frequency attached by ClinVar (database versions not stated): gnomAD 0.00001; TOPMed 0.00001; ExAC 0.00002.
gnomAD v4.1: 18 of 1,613,854 alleles (0.0011%); highest among the groups gnomAD compares: Admixed American, 0.01%; no homozygotes.

Submissions (4):

Labcorp Genetics (formerly Invitae), Labcorp
Classification: Likely benign for Rafiq syndrome. Last evaluated: 2025-05-23. Review status: criteria provided, single submitter. Criteria: Invitae Variant Classification Sherloc (09022015). Collection method: clinical testing. Allele origin: germline.

Blueprint Genetics
Classification: Likely benign. Last evaluated: 2021-03-12. Review status: criteria provided, single submitter. Criteria: ACMG Guidelines, 2015. Collection method: clinical testing. Allele origin: germline.

Ambry Genetics
Classification: Likely benign for Inborn genetic diseases. Last evaluated: 2019-04-05. Review status: criteria provided, single submitter. Criteria: Ambry Variant Classification Scheme 2023. Collection method: clinical testing. Allele origin: germline.

PreventionGenetics, part of Exact Sciences
Classification: Likely benign for MAN1B1-related condition. Last evaluated: 2019-02-22. Review status: no assertion criteria provided. Collection method: clinical testing. Allele origin: germline. Not counted in ClinVar's aggregate classification.
Comment: This variant is classified as likely benign based on ACMG/AMP sequence variant interpretation guidelines (Richards et al. 2015 PMID: 25741868, with internal and published modifications).

NM_016219.5(MAN1B1):c.1992G>A (p.Thr664=)

Gene: MAN1B1 (mannosidase alpha class 1B member 1; plus strand). Cytogenetic location: 9q34.3.
Variant type: single nucleotide variant.
Coding change: c.1992G>A on transcript NM_016219.5 (MANE Select); coding-DNA position 1992, G replaced by A.
Protein change: p.Thr664=; no amino-acid change (threonine 664 retained).
Molecular consequence: synonymous variant. On other transcripts: non-coding transcript variant (2).
Genome position (GRCh38, 1-based): chr9:137,108,483, G>A. VCF-style: chr9-137108483-G-A. GRCh37 (hg19) VCF-style: chr9-140002935-G-A.
Identifiers: ClinVar variation 734659 (VCV000734659.12), dbSNP rs747239978, ClinGen allele CA5359538.
Genomic context (GRCh38, chr9:137,108,483, plus strand): 5'-CCAGGATCCTCAGAAGCCCGAGCCTAGGGACAAGATGGAGAGCTTCTTCCTGGGGGAGAC[G>A]CTCAAGTATCTGTTCTTGCTCTTCTCCGATGACCCAAACCTGCTCAGCCTGGATGCCTAC-3'
Protein context (NP_057303.2, residues 654-674): DKMESFFLGE[Thr664=]LKYLFLLFSD